The following is an entry in ClinVar:

ClinVar aggregate classification (germline): Uncertain significance (1 of 4 stars; one submission).

Submission:

Labcorp Genetics (formerly Invitae), Labcorp
Classification: Uncertain significance. Last evaluated: 2022-10-23. Review status: criteria provided, single submitter. Criteria: Invitae Variant Classification Sherloc (09022015). Collection method: clinical testing. Allele origin: germline.
Comment: This sequence change replaces histidine, which is basic and polar, with tyrosine, which is neutral and polar, at codon 735 of the DGKZ protein (p.His735Tyr). This variant is not present in population databases (gnomAD no frequency). In summary, the available evidence is currently insufficient to determine the role of this variant in disease. Therefore, it has been classified as a Variant of Uncertain Significance. Algorithms developed to predict the effect of missense changes on protein structure and function are either unavailable or do not agree on the potential impact of this missense change (SIFT: "Deleterious"; PolyPhen-2: "Probably Damaging"; Align-GVGD: "Class C0"). This variant has not been reported in the literature in individuals affected with DGKZ-related conditions.

NM_001199267.2(DGKZ):c.1636C>T (p.His546Tyr)

Gene: DGKZ (diacylglycerol kinase zeta; plus strand). Cytogenetic location: 11p11.2.
Variant type: single nucleotide variant.
Coding change: c.1636C>T on transcript NM_001199267.2 (MANE Select); coding-DNA position 1636, C replaced by T.
Protein change: p.His546Tyr; replaces histidine 546 with tyrosine.
Molecular consequence: missense variant.
Genome position (GRCh38, 1-based): chr11:46,374,974, C>T. VCF-style: chr11-46374974-C-T. GRCh37 (hg19) VCF-style: chr11-46396524-C-T.
Other names: c.2203C>T, p.His735Tyr (NM_001105540.2); c.1639C>T, p.His547Tyr (NM_001199266.2, NM_003646.4); c.1570C>T, p.His524Tyr (NM_001199268.2); c.1687C>T, p.His563Tyr (NM_201532.3); c.1651C>T, p.His551Tyr (NM_201533.3); short protein forms H524Y, H546Y, H547Y, H551Y, H563Y, H735Y.
Identifiers: ClinVar variation 1722082 (VCV001722082.5), dbSNP rs2496536833, ClinGen allele CA380223636.